The following is an entry in ClinVar:

ClinVar aggregate classification (germline): Conflicting classifications of pathogenicity. Review status: criteria provided, conflicting classifications (1 of 4 stars). 6 submissions from 6 submitters: Pathogenic (1); Likely pathogenic (2); Uncertain significance (2). 1 of the submissions does not count toward it. Last evaluated 2025-12-08.

Conditions:
Autosomal recessive limb-girdle muscular dystrophy type 2L (LGMDR12). Also called: MUSCULAR DYSTROPHY, LIMB-GIRDLE, AUTOSOMAL RECESSIVE 12; Limb-girdle muscular dystrophy, type 2L; Limb-Girdle Muscular Dystrophy R12 Anoctamin-5-Related (LGMD-R12). Identifiers: Orphanet 206549, MedGen C1969785, MONDO:0012652, OMIM 611307.
Gnathodiaphyseal dysplasia (GDD). Also called: GNATHODIAPHYSEAL SCLEROSIS; OSTEOGENESIS IMPERFECTA WITH UNUSUAL SKELETAL LESIONS. Identifiers: Orphanet 53697, MedGen C1833736, MONDO:0008151, OMIM 166260.
ANO5-related disorder. Also called: ANO5-related condition; ANO5-related disorders. Identifiers: MedGen CN239193.

Allele frequency attached by ClinVar (database versions not stated): gnomAD exomes 0.00004 and 0.00002; ExAC 0.00002; gnomAD 0.00003; TOPMed 0.00003.
gnomAD v4.1: 64 of 1,612,928 alleles (0.004%); highest among the groups gnomAD compares: Non-Finnish European, 0.0053%; no homozygotes.

Submissions (6):

Labcorp Genetics (formerly Invitae), Labcorp
Classification: Pathogenic for Autosomal recessive limb-girdle muscular dystrophy type 2L; Gnathodiaphyseal dysplasia. Last evaluated: 2025-12-08. Review status: criteria provided, single submitter. Criteria: Invitae Variant Classification Sherloc (09022015). Collection method: clinical testing. Allele origin: germline.
Comment: This sequence change replaces leucine, which is neutral and non-polar, with phenylalanine, which is neutral and non-polar, at codon 273 of the ANO5 protein (p.Leu273Phe). This variant is present in population databases (rs772929002, gnomAD 0.005%). This missense change has been observed in individuals with autosomal recessive ANO5-related conditions (PMID: 23530687, 29382405; internal data). ClinVar contains an entry for this variant (Variation ID: 449531). Invitae Evidence Modeling of protein sequence and biophysical properties (such as structural, functional, and spatial information, amino acid conservation, physicochemical variation, residue mobility, and thermodynamic stability) indicates that this missense variant is expected to disrupt ANO5 protein function with a positive predictive value of 95%. For these reasons, this variant has been classified as Pathogenic.

GeneDx
Classification: Likely pathogenic. Last evaluated: 2025-11-19. Review status: criteria provided, single submitter. Criteria: GeneDx Variant Classification Process June 2021. Collection method: clinical testing. Allele origin: germline. Affected: yes.
Comment: Not observed at significant frequency in large population cohorts (gnomAD); In silico analysis supports that this missense variant has a deleterious effect on protein structure/function; This variant is associated with the following publications: (PMID: 29382405, 30919934, 30564623, 32528171, 26404900, 23530687, 34687219, 28187523)

Women's Health and Genetics/Laboratory Corporation of America, LabCorp
Classification: Likely pathogenic for Autosomal recessive limb-girdle muscular dystrophy type 2L. Last evaluated: 2025-02-06. Review status: criteria provided, single submitter. Criteria: LabCorp Variant Classification Summary - May 2015. Collection method: clinical testing. Allele origin: germline.
Comment: Variant summary: ANO5 c.817C>T (p.Leu273Phe) results in a non-conservative amino acid change located in the Anoctamin, dimerisation domain (IPR032394) of the encoded protein sequence. Five of five in-silico tools predict a damaging effect of the variant on protein function. The variant allele was found at a frequency of 2.4e-05 in 251180 control chromosomes. c.817C>T has been reported in the literature in presumed compound heterozygous individuals affected with Miyoshi phenotype of distal muscular dystrophy or Limb-Girdle Muscular Dystrophy, Autosomal Recessive (example: Linssen_2013, Papadopoulos_2017, Ten Dam_2019, Gemelli_2022). Although segregation was not established, all of these individuals were also found to carry the same pathogenic variant, ANO5 c.191dupA (p.Asn64LysfsX15). These data indicate that the c.817C>T variant is likely to be associated with disease. c.817C>T was also reported in at-least one presumed compound heterozygous individual with hyperCKemia who was found to carry the ANO5 c.1664G>T (p.Ser555Ile) pathogenic variant; however, segregation was not established for this individual (example: Wu_2018). To our knowledge, no experimental evidence demonstrating an impact on protein function has been reported. The following publications have been ascertained in the context of this evaluation (PMID: 34687219, 23530687, 26404900, 28187523, 30919934, 29382405, 9397016). ClinVar contains an entry for this variant (Variation ID: 449531). Based on the evidence outlined above, the variant was classified as likely pathogenic.

Revvity Omics, Revvity
Classification: Uncertain significance. Last evaluated: 2020-03-12. Review status: criteria provided, single submitter. Criteria: ACMG Guidelines, 2015. Collection method: clinical testing. Allele origin: germline.

Eurofins Ntd Llc (ga)
Classification: Uncertain significance. Last evaluated: 2017-02-28. Review status: criteria provided, single submitter. Criteria: EGL Classification Definitions 2015. Collection method: clinical testing. Allele origin: germline. Observed: 2 variant alleles, 1 heterozygote.

PreventionGenetics, part of Exact Sciences
Classification: Uncertain significance for ANO5-related condition. Last evaluated: 2024-08-16. Review status: no assertion criteria provided. Collection method: clinical testing. Allele origin: germline. Not counted in ClinVar's aggregate classification.
Comment: The ANO5 c.817C>T variant is predicted to result in the amino acid substitution p.Leu273Phe. This variant was reported with another variant in the gene in three individuals with Miyoshi muscular dystrophy (Linssen et al. 2013. PubMed ID: 23530687; Supplementary table2, Wu et al. 2018. PubMed ID: 29382405; Supplementary table 1, Ten Dam et al. 2019. PubMed ID: 30919934); however,the phase of these variants is not clear in these studies. This variant is reported in 0.0053% of alleles in individuals of European (Non-Finnish) descent in gnomAD. Although we suspect that this variant may be pathogenic, at this time, the clinical significance of this variant is uncertain due to the absence of conclusive functional and genetic evidence.

Literature cited by the submitters: PubMed 23530687 (cited by Labcorp Genetics (formerly Invitae), Labcorp and Women's Health and Genetics/Laboratory Corporation of America, LabCorp); PubMed 29382405 (cited by Labcorp Genetics (formerly Invitae), Labcorp and Women's Health and Genetics/Laboratory Corporation of America, LabCorp); PubMed 26404900 (cited by Women's Health and Genetics/Laboratory Corporation of America, LabCorp); PubMed 30919934 (cited by Women's Health and Genetics/Laboratory Corporation of America, LabCorp); PubMed 28187523 (cited by Women's Health and Genetics/Laboratory Corporation of America, LabCorp); PubMed 34687219 (cited by Women's Health and Genetics/Laboratory Corporation of America, LabCorp); PubMed 9397016 (cited by Women's Health and Genetics/Laboratory Corporation of America, LabCorp).

NM_213599.3(ANO5):c.817C>T (p.Leu273Phe)

Gene: ANO5 (anoctamin 5; plus strand). Cytogenetic location: 11p14.3.
Variant type: single nucleotide variant.
Coding change: c.817C>T on transcript NM_213599.3 (MANE Select); coding-DNA position 817, C replaced by T.
Protein change: p.Leu273Phe; replaces leucine 273 with phenylalanine.
Molecular consequence: missense variant.
Genome position (GRCh38, 1-based): chr11:22,239,623, C>T. VCF-style: chr11-22239623-C-T. GRCh37 (hg19) VCF-style: chr11-22261169-C-T.
Other names: c.814C>T, p.Leu272Phe (NM_001142649.2); short protein forms L273F, L272F.
Identifiers: ClinVar variation 449531 (VCV000449531.25), dbSNP rs772929002, ClinGen allele CA5923041.